The following is an entry in ClinVar:

ClinVar aggregate classification (germline): Benign/Likely benign. Review status: criteria provided, multiple submitters, no conflicts (2 of 4 stars). 7 submissions from 7 submitters: Benign (4); Likely benign (2). 1 of the submissions does not count toward it. Last evaluated 2026-01-12.

Conditions:
Cenani-Lenz syndactyly syndrome. Also called: CENANI SYNDACTYLISM; SYNDACTYLY, TYPE VII. Identifiers: Orphanet 3258, MedGen C1859309, MONDO:0008931, OMIM 212780.
Congenital myasthenic syndrome 17. Identifiers: Orphanet 590, MedGen C4225377, MONDO:0014578, OMIM 616304.
Sclerosteosis 2 (SOST2). Identifiers: Orphanet 3152, MedGen C3280402, MONDO:0013679, OMIM 614305.
LRP4-related disorder. Also called: LRP4-related condition.

Allele frequency attached by ClinVar (database versions not stated): gnomAD 0.00213 and 0.00221; TOPMed 0.00237; ESP Exome Variant Server 0.00285; 1000 Genomes Project 30x 0.00359; 1000 Genomes Project 0.00419; gnomAD exomes 0.00067; ExAC 0.00089.
gnomAD v4.1: 789 of 1,613,848 alleles (0.049%); highest among the groups gnomAD compares: African/African-American, 0.72%; 4 homozygotes.

Submissions (7):

Labcorp Genetics (formerly Invitae), Labcorp
Classification: Benign for Cenani-Lenz syndactyly syndrome; Sclerosteosis 2; Congenital myasthenic syndrome 17. Last evaluated: 2026-01-12. Review status: criteria provided, single submitter. Criteria: Invitae Variant Classification Sherloc (09022015). Collection method: clinical testing. Allele origin: germline.

Blueprint Genetics
Classification: Likely benign. Last evaluated: 2024-11-13. Review status: criteria provided, single submitter. Criteria: ACMG Guidelines, 2015. Collection method: clinical testing. Allele origin: germline.

Mayo Clinic Laboratories, Mayo Clinic
Classification: Benign. Last evaluated: 2024-02-15. Review status: criteria provided, single submitter. Criteria: ACMG Guidelines, 2015. Collection method: clinical testing. Allele origin: germline. Observed: 2 variant alleles.
Comment: BS1, BS2, BP4, BP7

GeneDx
Classification: Likely benign. Last evaluated: 2021-06-15. Review status: criteria provided, single submitter. Criteria: GeneDx Variant Classification Process June 2021. Collection method: clinical testing. Allele origin: germline. Affected: yes.

Illumina Laboratory Services, Illumina
Classification: Benign for Cenani-Lenz syndactyly syndrome. Last evaluated: 2017-04-27. Review status: criteria provided, single submitter. Criteria: ICSL Variant Classification Criteria 13 December 2019. Collection method: clinical testing. Allele origin: germline.
Comment: This variant was observed as part of a predisposition screen in an ostensibly healthy population. A literature search was performed for the gene, cDNA change, and amino acid change (where applicable). No publications were found based on this search. Allele frequency data from public databases was too high to be consistent with this variant causing disease. Therefore, this variant is classified as benign.

Eurofins Ntd Llc (ga)
Classification: Benign. Last evaluated: 2016-03-07. Review status: criteria provided, single submitter. Criteria: EGL Classification Definitions 2015. Collection method: clinical testing. Allele origin: germline. Observed: 1 variant allele, 1 heterozygote.

PreventionGenetics, part of Exact Sciences
Classification: Likely benign for LRP4-related condition. Last evaluated: 2020-02-03. Review status: no assertion criteria provided. Collection method: clinical testing. Allele origin: germline. Not counted in ClinVar's aggregate classification.
Comment: This variant is classified as likely benign based on ACMG/AMP sequence variant interpretation guidelines (Richards et al. 2015 PMID: 25741868, with internal and published modifications).

NM_002334.4(LRP4):c.1494C>T (p.Asn498=)

Gene: LRP4 (LDL receptor related protein 4; minus strand). Cytogenetic location: 11p11.2.
Variant type: single nucleotide variant.
Coding change: c.1494C>T on transcript NM_002334.4 (MANE Select); coding-DNA position 1494, C replaced by T.
Protein change: p.Asn498=; no amino-acid change (asparagine 498 retained).
Molecular consequence: synonymous variant.
Genome position (GRCh38, 1-based): chr11:46,894,635, G>A on the plus strand (C>T on the coding strand, the complement: LRP4 is on the minus strand). VCF-style: chr11-46894635-G-A. GRCh37 (hg19) VCF-style: chr11-46916186-G-A.
Other names: p.Asn498=.
Identifiers: ClinVar variation 286559 (VCV000286559.27), dbSNP rs61749083, ClinGen allele CA5970137.